The following is an entry in ClinVar:

NM_001009944.3(PKD1):c.215+22A>C

Gene: PKD1 (polycystin 1, transient receptor potential channel interacting; minus strand). Cytogenetic location: 16p13.3.
Variant type: single nucleotide variant.
Coding change: c.215+22A>C on transcript NM_001009944.3 (MANE Select); 22 bases into the intron after coding-DNA position 215, A replaced by C.
Molecular consequence: intron variant.
Genome position (GRCh38, 1-based): chr16:2,135,453, T>G on the plus strand (A>C on the coding strand, the complement: PKD1 is on the minus strand). VCF-style: chr16-2135453-T-G. GRCh37 (hg19) VCF-style: chr16-2185454-T-G.
Other names: c.215+22A>C (NM_000296.4).
Identifiers: ClinVar variation 4977758 (VCV004977758.1).

ClinVar aggregate classification (germline): Likely benign (1 of 4 stars; one submission).

Conditions:
PKD1-related disorder. Also called: PKD1-related condition.

Submission:

PreventionGenetics, part of Exact Sciences
Classification: Likely benign for PKD1-related condition. Last evaluated: 2026-06-17. Review status: criteria provided, single submitter. Criteria: ACMG Guidelines, 2015. Collection method: clinical testing. Allele origin: germline.
Comment: This variant is classified as likely benign based on ACMG/AMP sequence variant interpretation guidelines (Richards et al. 2015 PMID: 25741868, with internal and published modifications).